The following is an entry in ClinVar:

ClinVar aggregate classification (germline): Likely benign. Review status: criteria provided, single submitter (1 of 4 stars). 2 submissions from 2 submitters: Likely benign (1). 1 of the submissions does not count toward it. Last evaluated 2018-04-09.

Conditions:
AGO3-related disorder. Also called: AGO3-related condition.

Allele frequency attached by ClinVar (database versions not stated): gnomAD 0.00003; gnomAD exomes 0.00004; ExAC 0.00005; TOPMed 0.00012.
gnomAD v4.1: 98 of 1,613,640 alleles (0.0061%); highest among the groups gnomAD compares: Middle Eastern, 0.31%; 1 homozygote.

Submissions (2):

Labcorp Genetics (formerly Invitae), Labcorp
Classification: Likely benign. Last evaluated: 2018-04-09. Review status: criteria provided, single submitter. Criteria: Invitae Variant Classification Sherloc (09022015). Collection method: clinical testing. Allele origin: germline.

PreventionGenetics, part of Exact Sciences
Classification: Likely benign for AGO3-related condition. Last evaluated: 2019-04-26. Review status: no assertion criteria provided. Collection method: clinical testing. Allele origin: germline. Not counted in ClinVar's aggregate classification.
Comment: This variant is classified as likely benign based on ACMG/AMP sequence variant interpretation guidelines (Richards et al. 2015 PMID: 25741868, with internal and published modifications).

NM_024852.4(AGO3):c.930G>A (p.Ala310=)

Gene: AGO3 (argonaute RISC catalytic component 3; plus strand). Cytogenetic location: 1p34.3.
Variant type: single nucleotide variant.
Coding change: c.930G>A on transcript NM_024852.4 (MANE Select); coding-DNA position 930, G replaced by A.
Protein change: p.Ala310=; no amino-acid change (alanine 310 retained).
Molecular consequence: synonymous variant.
Genome position (GRCh38, 1-based): chr1:36,008,945, G>A. VCF-style: chr1-36008945-G-A. GRCh37 (hg19) VCF-style: chr1-36474546-G-A.
Other names: c.228G>A, p.Ala76= (NM_177422.3).
Identifiers: ClinVar variation 720219 (VCV000720219.5), dbSNP rs753247568, ClinGen allele CA763693.